The following is an entry in ClinVar:

NM_001080.3(ALDH5A1):c.764A>G (p.Asn255Ser)

Gene: ALDH5A1 (aldehyde dehydrogenase 5 family member A1; plus strand). Cytogenetic location: 6p22.3.
Variant type: single nucleotide variant.
Coding change: c.764A>G on transcript NM_001080.3 (MANE Select); coding-DNA position 764, A replaced by G.
Protein change: p.Asn255Ser; replaces asparagine 255 with serine.
Molecular consequence: missense variant. On other transcripts: intron variant (1).
Genome position (GRCh38, 1-based): chr6:24,515,204, A>G. VCF-style: chr6-24515204-A-G. GRCh37 (hg19) VCF-style: chr6-24515432-A-G.
Other names: p.Asn255Ser; c.803A>G, p.Asn268Ser (NM_170740.1); c.727-5197A>G (NM_001368954.1); short protein forms N255S, N268S.
Identifiers: ClinVar variation 834848 (VCV000834848.12), dbSNP rs145087265, ClinGen allele CA3656745.

ClinVar aggregate classification (germline): Conflicting classifications of pathogenicity. Review status: criteria provided, conflicting classifications (1 of 4 stars). 5 submissions from 5 submitters: Likely pathogenic (2); Uncertain significance (3). Last evaluated 2025-05-12.

Conditions:
Succinate-semialdehyde dehydrogenase deficiency (SSADHD). Also called: GABA METABOLIC DEFECT; 4-HYDROXYBUTYRIC ACIDURIA; Succinic Semialdehyde Dehydrogenase Deficiency; SSADH DEFICIENCY. Identifiers: Orphanet 22, MedGen C0268631, MONDO:0010083, OMIM 271980.

Allele frequency attached by ClinVar (database versions not stated): ExAC 0.00001; gnomAD exomes 0.00003 and 0.00005; gnomAD 0.00006 and 0.00007; ESP Exome Variant Server 0.00015.
gnomAD v4.1: 80 of 1,611,604 alleles (0.005%); highest among the groups gnomAD compares: African/African-American, 0.016%; no homozygotes.

Submissions (5):

Labcorp Genetics (formerly Invitae), Labcorp
Classification: Uncertain significance for Succinate-semialdehyde dehydrogenase deficiency. Last evaluated: 2025-05-12. Review status: criteria provided, single submitter. Criteria: Invitae Variant Classification Sherloc (09022015). Collection method: clinical testing. Allele origin: germline.
Comment: This sequence change replaces asparagine, which is neutral and polar, with serine, which is neutral and polar, at codon 255 of the ALDH5A1 protein (p.Asn255Ser). The frequency data for this variant in the population databases is considered unreliable, as metrics indicate poor data quality at this position in the gnomAD database. This missense change has been observed in individual(s) with clinical features of succinic semialdehyde dehydrogenase deficiency (PMID: 14635103). ClinVar contains an entry for this variant (Variation ID: 834848). Invitae Evidence Modeling of protein sequence and biophysical properties (such as structural, functional, and spatial information, amino acid conservation, physicochemical variation, residue mobility, and thermodynamic stability) has been performed for this missense variant. However, the output from this modeling did not meet the statistical confidence thresholds required to predict the impact of this variant on ALDH5A1 protein function. Experimental studies have shown that this missense change affects ALDH5A1 function (PMID: 14635103). In summary, the available evidence is currently insufficient to determine the role of this variant in disease. Therefore, it has been classified as a Variant of Uncertain Significance.

GeneDx
Classification: Uncertain significance. Last evaluated: 2024-10-22. Review status: criteria provided, single submitter. Criteria: GeneDx Variant Classification Process June 2021. Collection method: clinical testing. Allele origin: germline. Affected: yes.
Comment: Identified in the heterozygous state in an individual with succinate semialdehyde dehydrogenase deficiency in the published literature; this individual harbored two other heterozygous ALDH5A1 variants that are considered benign at GeneDx, and no other variants in ALDH5A1 gene were identified (PMID: 14635103); Reported with a second ALDH5A1 variant, phase unknown, in a patient with global developmental delay, failure to thrive, status epilepticus, muscle weakness, and abnormal cerebellum morphology (PMID: 35094435); In silico analysis supports that this missense variant has a deleterious effect on protein structure/function; This variant is associated with the following publications: (PMID: 14635103, 33203024, 32093054, 32402538, 25558043, 25431891, 20174634, 38791277, 35094435)

Blueprint Genetics
Classification: Uncertain significance. Last evaluated: 2024-09-04. Review status: criteria provided, single submitter. Criteria: ACMG Guidelines, 2015. Collection method: clinical testing. Allele origin: germline.

Mayo Clinic Laboratories, Mayo Clinic
Classification: Likely pathogenic. Last evaluated: 2024-06-11. Review status: criteria provided, single submitter. Criteria: ACMG Guidelines, 2015. Collection method: clinical testing. Allele origin: germline. Observed: 1 variant allele.
Comment: PM2, PM5, PS3, PS4_moderate

Elsea Laboratory, Baylor College of Medicine
Classification: Likely pathogenic for Succinate-semialdehyde dehydrogenase deficiency. Last evaluated: 2021-03-08. Review status: criteria provided, single submitter. Criteria: Martin et al. (J Child Neurol. 2021). Collection method: curation. Allele origin: germline. Affected: yes.
Comment: enzyme activity ~17%; Located in NAD binding domain

Literature cited by the submitters: PubMed 14635103 (cited by 3 submitters); PubMed 35094435 (cited by Mayo Clinic Laboratories, Mayo Clinic); PubMed 38791277 (cited by Mayo Clinic Laboratories, Mayo Clinic); PubMed 33203024 (cited by Elsea Laboratory, Baylor College of Medicine); PubMed 32093054 (cited by Elsea Laboratory, Baylor College of Medicine).